The following is an entry in ClinVar:

NM_017739.4(POMGNT1):c.621G>T (p.Arg207Ser)

Genes: POMGNT1 (protein O-linked mannose N-acetylglucosaminyltransferase 1 (beta 1,2-); minus strand), TSPAN1 (tetraspanin 1; plus strand). Cytogenetic location: 1p34.1.
Variant type: single nucleotide variant.
Coding change: c.621G>T on transcript NM_017739.4 (MANE Select); coding-DNA position 621, G replaced by T.
Protein change: p.Arg207Ser; replaces arginine 207 with serine.
Molecular consequence: missense variant.
Genome position (GRCh38, 1-based): chr1:46,194,875, C>A on the plus strand (G>T on the coding strand, the complement: POMGNT1 is on the minus strand). VCF-style: chr1-46194875-C-A. GRCh37 (hg19) VCF-style: chr1-46660547-C-A.
Other names: c.621G>T, p.Arg207Ser (NM_001243766.2, NM_001410783.1); c.555G>T, p.Arg185Ser (NM_001290129.3); c.192G>T, p.Arg64Ser (NM_001290130.2); short protein forms R185S, R207S, R64S.
Identifiers: ClinVar variation 1318184 (VCV001318184.6), dbSNP rs763146463, ClinGen allele CA833672.

ClinVar aggregate classification (germline): Conflicting classifications of pathogenicity. Review status: criteria provided, conflicting classifications (1 of 4 stars). 3 submissions from 3 submitters: Pathogenic (1); Uncertain significance (2). Last evaluated 2026-06-02.

Conditions:
Myopathy caused by variation in POMGNT1. Identifiers: MedGen CN305639, MONDO:0700068.

Allele frequency attached by ClinVar (database versions not stated): gnomAD 0.00001; TOPMed 0.00003; ExAC 0.00001.
gnomAD v4.1: 2 of 1,614,048 alleles (0.00012%); highest among the groups gnomAD compares: African/African-American, 0.0027%; no homozygotes.

Submissions (3):

Myriad Genetics, Inc.
Classification: Uncertain significance for Myopathy caused by variation in POMGNT1. Last evaluated: 2026-06-02. Review status: criteria provided, single submitter. Criteria: Myriad Autosomal Dominant, Autosomal Recessive and X-Linked Classification Criteria (2023). Collection method: clinical testing. Allele origin: unknown.
Comment: NM_017739.3(POMGNT1):c.621G>T(R207S) is a missense variant classified as a variant of uncertain significance in the context of POMGNT1-related disorders. R207S has not been observed in cases with relevant disease. Relevant functional assessments of this variant are not available in the literature. R207S has been observed in referenced population frequency databases. In summary, there is insufficient evidence to classify NM_017739.3(POMGNT1):c.621G>T(R207S) as pathogenic or benign. Please note: this variant was assessed in the context of healthy population screening.

GeneDx
Classification: Pathogenic. Last evaluated: 2025-07-19. Review status: criteria provided, single submitter. Criteria: GeneDx Variant Classification Process June 2021. Collection method: clinical testing. Allele origin: germline. Affected: yes.
Comment: Residue is located within the carbohydrate-binding stem domain and has been shown to modulate O-mannosylation of the alpha-dystroglycan protein; disruptions of this position destabilize the POMGNT1 enzyme, leading to decreased catalytic activity (PMID: 27493216); Not observed at significant frequency in large population cohorts (gnomAD); In silico analysis supports that this missense variant has a deleterious effect on protein structure/function; Has not been previously published as pathogenic or benign to our knowledge; This variant is associated with the following publications: (PMID: 24282183, 27493216)

Blueprint Genetics
Classification: Uncertain significance. Last evaluated: 2022-03-09. Review status: criteria provided, single submitter. Criteria: ACMG Guidelines, 2015. Collection method: clinical testing. Allele origin: germline.